The following is an entry in ClinVar:

ClinVar aggregate classification (germline): Uncertain significance (1 of 4 stars; one submission).

Conditions:
Hereditary cancer-predisposing syndrome. Also called: Tumor predisposition; Hereditary Cancer Syndrome; Neoplastic Syndromes, Hereditary; Hereditary neoplastic syndrome. Identifiers: Orphanet 140162, MedGen C0027672, MeSH D009386, MONDO:0015356.

Allele frequency attached by ClinVar (database versions not stated): TOPMed below 0.00001.

Submission:

Ambry Genetics
Classification: Uncertain significance for Hereditary cancer-predisposing syndrome. Last evaluated: 2022-05-22. Review status: criteria provided, single submitter. Criteria: Ambry Variant Classification Scheme 2023. Collection method: clinical testing. Allele origin: germline.
Comment: The p.G86A variant (also known as c.257G>C), located in coding exon 3 of the EPCAM gene, results from a G to C substitution at nucleotide position 257. The glycine at codon 86 is replaced by alanine, an amino acid with similar properties. This amino acid position is conserved. In addition, this alteration is predicted to be tolerated by in silico analysis. Since supporting evidence is limited at this time, the clinical significance of this alteration remains unclear.

NM_002354.3(EPCAM):c.257G>C (p.Gly86Ala)

Gene: EPCAM (epithelial cell adhesion molecule; plus strand). Cytogenetic location: 2p21.
Variant type: single nucleotide variant.
Coding change: c.257G>C on transcript NM_002354.3 (MANE Select); coding-DNA position 257, G replaced by C.
Protein change: p.Gly86Ala; replaces glycine 86 with alanine.
Molecular consequence: missense variant.
Genome position (GRCh38, 1-based): chr2:47,373,880, G>C. VCF-style: chr2-47373880-G-C. GRCh37 (hg19) VCF-style: chr2-47601019-G-C.
Other names: short protein forms G86A.
Identifiers: ClinVar variation 1793359 (VCV001793359.2), dbSNP rs1671350617, ClinGen allele CA346722958.